The following is an entry in ClinVar:

ClinVar aggregate classification (germline): Uncertain significance (1 of 4 stars; one submission).

Submission:

Labcorp Genetics (formerly Invitae), Labcorp
Classification: Uncertain significance. Last evaluated: 2023-03-08. Review status: criteria provided, single submitter. Criteria: Invitae Variant Classification Sherloc (09022015). Collection method: clinical testing. Allele origin: germline.
Comment: In summary, the available evidence is currently insufficient to determine the role of this variant in disease. Therefore, it has been classified as a Variant of Uncertain Significance. Experimental studies and prediction algorithms are not available or were not evaluated, and the functional significance of this variant is currently unknown. This variant has been observed in individual(s) with clinical features of cleidocranial dysplasia (Invitae). It has also been observed to segregate with disease in related individuals. This variant is not present in population databases (gnomAD no frequency). This variant, c.377_379del, results in the deletion of 1 amino acid(s) of the RUNX2 protein (p.Leu126del), but otherwise preserves the integrity of the reading frame.

NM_001024630.4(RUNX2):c.374TGC[1] (p.Leu126del)

Gene: RUNX2 (RUNX family transcription factor 2; plus strand). Cytogenetic location: 6p21.1.
Variant type: Microsatellite.
Coding change: c.374TGC[1] on transcript NM_001024630.4 (MANE Select); one copy of the 3-base unit TGC starting at c.374; the reference has two copies in a row; one copy, 3 bases deleted.
Protein change: p.Leu126del; deletes leucine 126.
Molecular consequence: inframe deletion. On other transcripts: inframe indel (1).
Genome position (GRCh38, 1-based): chr6:45,422,911-45,422,913, TGC deleted; deleting any 3 consecutive bases within chr6:45,422,908-45,422,913 gives the same sequence; the position shown is the placement nearest the transcript's 3' end. VCF-style (leftmost placement, unchanged base first): chr6-45422907-GTGC-G. GRCh37 (hg19) VCF-style: chr6-45390644-GTGC-G.
Other names: c.374TGC[1], p.Leu126del (NM_001015051.4); c.332TGC[1], p.Leu112del (NM_001278478.2, NM_001369405.1); c.332_334TGC[1], p.Leu112del (NM_004348.3); short protein forms L126del, L112del.
Identifiers: ClinVar variation 2820160 (VCV002820160.3), dbSNP rs2548582214, ClinGen allele CA2739273063.